The following is an entry in ClinVar:

ClinVar aggregate classification (germline): Pathogenic/Likely pathogenic. Review status: criteria provided, multiple submitters, no conflicts (2 of 4 stars). 9 submissions from 9 submitters: Pathogenic (7); Likely pathogenic (1). 1 of the submissions does not count toward it. Last evaluated 2025-09-17.

Conditions:
Proteinuria, chronic benign. Identifiers: MedGen C5394384, MONDO:0030042, OMIM 618884.
Imerslund-Grasbeck syndrome type 1 (IGS1). Also called: MEGALOBLASTIC ANEMIA, 1; Megaloblastic anemia 1, Finnish type; Imerslund-Gräsbeck syndrome 1. Identifiers: MedGen C4016819, MONDO:0100156, OMIM 261100.
CUBN-related disorders.
CUBN-related disorder. Also called: CUBN-related condition.
Imerslund-Grasbeck syndrome. Also called: Imerslund-Gräsbeck syndrome; ENTEROCYTE COBALAMIN MALABSORPTION; ENTEROCYTE INTRINSIC FACTOR RECEPTOR, DEFECT OF; PERNICIOUS ANEMIA, JUVENILE, DUE TO SELECTIVE INTESTINAL MALABSORPTION OF VITAMIN B12, WITH PROTEINURIA; Megaloblastic anemia due to inborn errors of metabolism. Identifiers: Orphanet 35858, MedGen C4551825, MONDO:0009853.

Allele frequency attached by ClinVar (database versions not stated): ExAC 0.00007; TOPMed 0.00012; gnomAD 0.00015 and 0.00016; 1000 Genomes Project 0.00020; 1000 Genomes Project 30x 0.00031; ESP Exome Variant Server 0.00031.
gnomAD v4.1: 282 of 1,611,432 alleles (0.017%); highest among the groups gnomAD compares: Non-Finnish European, 0.022%; no homozygotes.

Submissions (9):

GeneDx
Classification: Pathogenic. Last evaluated: 2025-09-17. Review status: criteria provided, single submitter. Criteria: GeneDx Variant Classification Process June 2021. Collection method: clinical testing. Allele origin: germline. Affected: yes.
Comment: Nonsense variant predicted to result in protein truncation or nonsense mediated decay in a gene for which loss of function is a known mechanism of disease; This variant is associated with the following publications: (PMID: 34426522, 31589614, 34979989, 34610128, 30267408)

First Genomix Gene Laboratory, Genetic Diagnostics Department
Classification: Pathogenic for Proteinuria, chronic benign; Imerslund-Grasbeck syndrome type 1. Last evaluated: 2025-09-08. Review status: criteria provided, single submitter. Criteria: ACMG Guidelines, 2015. Collection method: clinical testing. Allele origin: germline. Inheritance: Autosomal recessive inheritance. Affected: no. Observed: 1 variant allele.

Institute of Human Genetics Munich, TUM University Hospital
Classification: Pathogenic for Proteinuria, chronic benign. Last evaluated: 2025-08-14. Review status: criteria provided, single submitter. Criteria: Classification criteria August 2017. Collection method: clinical testing. Allele origin: maternal. Inheritance: Autosomal recessive inheritance. Affected: yes. Observed: 1 variant allele.

Dasa
Classification: Likely pathogenic. Last evaluated: 2025-07-21. Review status: criteria provided, single submitter. Criteria: DASA Assertion Criteria. Collection method: clinical testing. Allele origin: germline.
Comment: NM_001081.4(CUBN):c.7906C>T (p.Arg2636*) is a nonsense variant in CUBN predicted to introduce a premature termination codon and is predicted to result in an absent or altered protein product. Loss of function is an established disease mechanism for CUBN-associated disorders. This variant has been reported in individuals with CUBN-related disorders (PMID: 34979989). Also, this variant is rare in population databases. Based on the currently available evidence, this variant is classified as likely pathogenic.

Centre of Medical Genetics, University Hospital Muenster
Classification: Pathogenic. Last evaluated: 2025-07-15. Review status: criteria provided, single submitter. Criteria: ACMG Guidelines, 2015. Collection method: clinical testing. Allele origin: unknown. Affected: yes. Observed: 1 variant allele, 1 heterozygote.
Comment: ACMG categories: PVS1,PM2_sup,PM3_sup

Blueprint Genetics
Classification: Pathogenic for CUBN-related disorders. Last evaluated: 2024-11-27. Review status: criteria provided, single submitter. Criteria: ACMG Guidelines, 2015. Collection method: clinical testing. Allele origin: germline. Affected: yes. Observed: 5 variant alleles.

Labcorp Genetics (formerly Invitae), Labcorp
Classification: Pathogenic for Imerslund-Grasbeck syndrome. Last evaluated: 2024-07-21. Review status: criteria provided, single submitter. Criteria: Invitae Variant Classification Sherloc (09022015). Collection method: clinical testing. Allele origin: germline.
Comment: This sequence change creates a premature translational stop signal (p.Arg2636*) in the CUBN gene. It is expected to result in an absent or disrupted protein product. Loss-of-function variants in CUBN are known to be pathogenic (PMID: 15024727, 22929189, 25349199, 31613795, 34979989). This variant is present in population databases (rs137998687, gnomAD 0.02%). This variant has not been reported in the literature in individuals affected with CUBN-related conditions. ClinVar contains an entry for this variant (Variation ID: 569408). For these reasons, this variant has been classified as Pathogenic.

Center of Genomic medicine, Geneva, University Hospital of Geneva
Classification: Pathogenic for Imerslund-Grasbeck syndrome type 1. Last evaluated: 2019-03-18. Review status: criteria provided, single submitter. Criteria: ACMG Guidelines, 2015. Collection method: clinical testing. Allele origin: maternal. Affected: yes. Observed: 2 variant alleles.

PreventionGenetics, part of Exact Sciences
Classification: Pathogenic for CUBN-related condition. Last evaluated: 2024-03-20. Review status: no assertion criteria provided. Collection method: clinical testing. Allele origin: germline. Not counted in ClinVar's aggregate classification.
Comment: The CUBN c.7906C>T variant is predicted to result in premature protein termination (p.Arg2636*). This variant has been reported in individuals with nephrotic-range proteinuria or focal segmental glomerulosclerosis (FSGS) (Méjécase et al. 2019. PubMed ID: 30267408; Yang et al. 2022. PubMed ID: 34979989). This variant is reported in 0.016% of alleles in individuals of European (Non-Finnish) descent in gnomAD. Nonsense variants in CUBN are expected to be pathogenic. This variant is interpreted as pathogenic.

Literature cited by the submitters: PubMed 34979989 (cited by 3 submitters); PubMed 30267408 (cited by Dasa); PubMed 15024727 (cited by Labcorp Genetics (formerly Invitae), Labcorp); PubMed 22929189 (cited by Labcorp Genetics (formerly Invitae), Labcorp); PubMed 25349199 (cited by Labcorp Genetics (formerly Invitae), Labcorp); PubMed 31613795 (cited by Labcorp Genetics (formerly Invitae), Labcorp).

NM_001081.4(CUBN):c.7906C>T (p.Arg2636Ter)

Gene: CUBN (cubilin; minus strand). Cytogenetic location: 10p13.
Variant type: single nucleotide variant.
Coding change: c.7906C>T on transcript NM_001081.4 (MANE Select); coding-DNA position 7906, C replaced by T.
Protein change: p.Arg2636Ter; replaces arginine 2636 with a stop codon.
Molecular consequence: nonsense.
Genome position (GRCh38, 1-based): chr10:16,906,209, G>A on the plus strand (C>T on the coding strand, the complement: CUBN is on the minus strand). VCF-style: chr10-16906209-G-A. GRCh37 (hg19) VCF-style: chr10-16948208-G-A.
Other names: short protein forms R2636*.
Identifiers: ClinVar variation 569408 (VCV000569408.16), dbSNP rs137998687, ClinGen allele CA5423214.